The following is an entry in ClinVar:

NM_001004334.4(GPR179):c.7014G>A (p.Ser2338=)

Gene: GPR179 (G protein-coupled receptor 179; minus strand). Cytogenetic location: 17q12.
Variant type: single nucleotide variant.
Coding change: c.7014G>A on transcript NM_001004334.4 (MANE Select); coding-DNA position 7014, G replaced by A.
Protein change: p.Ser2338=; no amino-acid change (serine 2338 retained).
Molecular consequence: synonymous variant.
Genome position (GRCh38, 1-based): chr17:38,326,555, C>T on the plus strand (G>A on the coding strand, the complement: GPR179 is on the minus strand). VCF-style: chr17-38326555-C-T. GRCh37 (hg19) VCF-style: chr17-36482438-C-T.
Other names: c.7014G>A (NM_001004334.3).
Identifiers: ClinVar variation 1528954 (VCV001528954.12), dbSNP rs184147344, ClinGen allele CA290102681.

ClinVar aggregate classification (germline): Benign/Likely benign. Review status: criteria provided, multiple submitters, no conflicts (2 of 4 stars). 4 submissions from 4 submitters: Benign (2); Likely benign (1). 1 of the submissions does not count toward it. Last evaluated 2025-08-17.

Conditions:
GPR179-related disorder. Also called: GPR179-related condition.

Allele frequency attached by ClinVar (database versions not stated): gnomAD exomes 0.00010 and 0.00022; ExAC 0.00020; 1000 Genomes Project 30x 0.00047; 1000 Genomes Project 0.00060; gnomAD 0.00066 and 0.00071; TOPMed 0.00071; ESP Exome Variant Server 0.00083.
gnomAD v4.1: 259 of 1,614,164 alleles (0.016%); highest among the groups gnomAD compares: African/African-American, 0.24%; no homozygotes.

Submissions (4):

Labcorp Genetics (formerly Invitae), Labcorp
Classification: Benign. Last evaluated: 2025-08-17. Review status: criteria provided, single submitter. Criteria: Invitae Variant Classification Sherloc (09022015). Collection method: clinical testing. Allele origin: germline.

Blueprint Genetics
Classification: Likely benign. Last evaluated: 2024-08-21. Review status: criteria provided, single submitter. Criteria: ACMG Guidelines, 2015. Collection method: clinical testing. Allele origin: germline.

Breakthrough Genomics
Classification: Benign. Review status: criteria provided, single submitter. Criteria: ACMG Guidelines, 2015. Collection method: not provided. Allele origin: germline. Inheritance: Autosomal recessive inheritance. Affected: yes.

PreventionGenetics, part of Exact Sciences
Classification: Likely benign for GPR179-related condition. Last evaluated: 2019-10-22. Review status: no assertion criteria provided. Collection method: clinical testing. Allele origin: germline. Not counted in ClinVar's aggregate classification.
Comment: This variant is classified as likely benign based on ACMG/AMP sequence variant interpretation guidelines (Richards et al. 2015 PMID: 25741868, with internal and published modifications).